The following is an entry in ClinVar:

NM_006766.5(KAT6A):c.3673GAG[5] (p.Glu1228_Met1229insGlu)

Gene: KAT6A (lysine acetyltransferase 6A; minus strand). Cytogenetic location: 8p11.21.
Variant type: Microsatellite.
Coding change: c.3673GAG[5] on transcript NM_006766.5 (MANE Select); five copies in a row of the 3-base unit GAG starting at c.3673; the reference has four copies in a row; one copy, 3 bases duplicated.
Protein change: p.Glu1228_Met1229insGlu.
Molecular consequence: inframe insertion.
Genome position (GRCh38, 1-based): chr8:41,934,536-41,934,538, CTC duplicated on the plus strand (GAG on the coding strand, the reverse complement: KAT6A is on the minus strand); duplicating any 3 consecutive bases within chr8:41,934,536-41,934,549 gives the same sequence; the position shown is the placement nearest the transcript's 3' end. VCF-style (leftmost placement, unchanged base first): chr8-41934535-T-TCTC. GRCh37 (hg19) VCF-style: chr8-41792053-T-TCTC.
Identifiers: ClinVar variation 1900706 (VCV001900706.5), dbSNP rs749689463, ClinGen allele CA4729629.
Genomic context (GRCh38, chr8:41,934,535, plus strand): 5'-CTTCACTGCTGGCTGCATCCTCTTCCTCACCCTCTTCAGCCTCTTCTGCCTCTGCTTGCA[T>TCTC]CTCCTCCTCCTCCTTCCTCTCCTCGGGTAGGGGCATGTCTTCTTTTGGCTCAACAGTTTC-3'

ClinVar aggregate classification (germline): Uncertain significance (1 of 4 stars; one submission).

Submission:

Labcorp Genetics (formerly Invitae), Labcorp
Classification: Uncertain significance. Last evaluated: 2022-02-21. Review status: criteria provided, single submitter. Criteria: Invitae Variant Classification Sherloc (09022015). Collection method: clinical testing. Allele origin: germline.
Comment: In summary, the available evidence is currently insufficient to determine the role of this variant in disease. Therefore, it has been classified as a Variant of Uncertain Significance. This variant has not been reported in the literature in individuals affected with KAT6A-related conditions. This variant is present in population databases (rs775689601, gnomAD 0.002%). This variant, c.3682_3684dup, results in the insertion of 1 amino acid(s) of the KAT6A protein (p.Glu1228dup), but otherwise preserves the integrity of the reading frame.